The following is an entry in ClinVar:

NM_020738.4(KIDINS220):c.1738G>A (p.Val580Met)

Gene: KIDINS220 (kinase D interacting substrate 220; minus strand). Cytogenetic location: 2p25.1.
Variant type: single nucleotide variant.
Coding change: c.1738G>A on transcript NM_020738.4 (MANE Select); coding-DNA position 1738, G replaced by A.
Protein change: p.Val580Met; replaces valine 580 with methionine.
Molecular consequence: missense variant. On other transcripts: non-coding transcript variant (2).
Genome position (GRCh38, 1-based): chr2:8,788,696, C>T on the plus strand (G>A on the coding strand, the complement: KIDINS220 is on the minus strand). VCF-style: chr2-8788696-C-T. GRCh37 (hg19) VCF-style: chr2-8928826-C-T.
Other names: c.1741G>A, p.Val581Met (NM_001348729.2, NM_001348731.2, NM_001348734.2 and 3 more transcripts); c.1738G>A, p.Val580Met (NM_001348732.2, NM_001348735.2, NM_001348738.2 and 3 more transcripts); c.1612G>A, p.Val538Met (NM_001348736.2); short protein forms V538M, V580M, V581M.
Identifiers: ClinVar variation 2127045 (VCV002127045.4), dbSNP rs868339289, ClinGen allele CA345766868.

ClinVar aggregate classification (germline): Uncertain significance (1 of 4 stars; one submission).

Allele frequency attached by ClinVar (database versions not stated): TOPMed 0.00001.

Submission:

Labcorp Genetics (formerly Invitae), Labcorp
Classification: Uncertain significance. Last evaluated: 2022-04-16. Review status: criteria provided, single submitter. Criteria: Invitae Variant Classification Sherloc (09022015). Collection method: clinical testing. Allele origin: germline.
Comment: This variant has not been reported in the literature in individuals affected with KIDINS220-related conditions. In summary, the available evidence is currently insufficient to determine the role of this variant in disease. Therefore, it has been classified as a Variant of Uncertain Significance. Algorithms developed to predict the effect of missense changes on protein structure and function are either unavailable or do not agree on the potential impact of this missense change (SIFT: "Deleterious"; PolyPhen-2: "Possibly Damaging"; Align-GVGD: "Class C0"). This variant is not present in population databases (gnomAD no frequency). This sequence change replaces valine, which is neutral and non-polar, with methionine, which is neutral and non-polar, at codon 580 of the KIDINS220 protein (p.Val580Met).